The following is an entry in ClinVar:

ClinVar aggregate classification (germline): Uncertain significance (1 of 4 stars; one submission).

Conditions:
Familial cancer of breast. Also called: BREAST CANCER, FAMILIAL; hereditary breast carcinoma; Hereditary breast cancer. Identifiers: Orphanet 227535, MedGen C0346153, MONDO:0016419, OMIM 114480. Disease mechanism: loss of function.
Fanconi anemia complementation group J. Also called: BRIP1-Related Fanconi Anemia. Identifiers: Orphanet 84, MedGen C1836860, MONDO:0012187, OMIM 609054.

Submission:

Labcorp Genetics (formerly Invitae), Labcorp
Classification: Uncertain significance for Familial cancer of breast; Fanconi anemia complementation group J. Last evaluated: 2019-12-11. Review status: criteria provided, single submitter. Criteria: Invitae Variant Classification Sherloc (09022015). Collection method: clinical testing. Allele origin: germline.
Comment: In summary, the available evidence is currently insufficient to determine the role of this variant in disease. Therefore, it has been classified as a Variant of Uncertain Significance. Algorithms developed to predict the effect of missense changes on protein structure and function (SIFT, PolyPhen-2, Align-GVGD) all suggest that this variant is likely to be tolerated, but these predictions have not been confirmed by published functional studies and their clinical significance is uncertain. This variant has not been reported in the literature in individuals with BRIP1-related conditions. This variant is not present in population databases (ExAC no frequency). This sequence change replaces aspartic acid with glycine at codon 1148 of the BRIP1 protein (p.Asp1148Gly). The aspartic acid residue is weakly conserved and there is a moderate physicochemical difference between aspartic acid and glycine.

NM_032043.3(BRIP1):c.3443A>G (p.Asp1148Gly)

Gene: BRIP1 (BRCA1 interacting DNA helicase 1; minus strand). Cytogenetic location: 17q23.2.
Variant type: single nucleotide variant.
Coding change: c.3443A>G on transcript NM_032043.3 (MANE Select); coding-DNA position 3443, A replaced by G.
Protein change: p.Asp1148Gly; replaces aspartic acid 1148 with glycine.
Molecular consequence: missense variant.
Genome position (GRCh38, 1-based): chr17:61,683,603, T>C on the plus strand (A>G on the coding strand, the complement: BRIP1 is on the minus strand). VCF-style: chr17-61683603-T-C. GRCh37 (hg19) VCF-style: chr17-59760964-T-C.
Other names: short protein forms D1148G.
Identifiers: ClinVar variation 836399 (VCV000836399.10), dbSNP rs2061306531, ClinGen allele CA400478712.
Genomic context (GRCh38, chr17:61,683,603, plus strand): 5'-TTAGCTAAAATGCAATCTGAATTGTTAGCCAATCTATTTCCTCTATCAGTTTCAGCTAGG[T>C]CATTTTTTTCTTCATCTGTATCTTCAGGATCATAAAGTTCAGGTGTAAAATAGATAGATT-3'
Protein context (NP_114432.2, residues 1138-1158): DPEDTDEEKN[Asp1148Gly]LAETDRGNRL